The following is an entry in ClinVar:

NM_001148.6(ANK2):c.11662A>G (p.Ile3888Val)

Gene: ANK2 (ankyrin 2; plus strand). Cytogenetic location: 4q26.
Variant type: single nucleotide variant.
Coding change: c.11662A>G on transcript NM_001148.6 (MANE Select); coding-DNA position 11662, A replaced by G.
Protein change: p.Ile3888Val; replaces isoleucine 3888 with valine.
Molecular consequence: missense variant. On other transcripts: intron variant (1).
Genome position (GRCh38, 1-based): chr4:113,373,141, A>G. VCF-style: chr4-113373141-A-G. GRCh37 (hg19) VCF-style: chr4-114294297-A-G.
Other names: c.5380A>G, p.Ile1794Val (NM_001127493.3); c.5419A>G, p.Ile1807Val (NM_001354225.2); c.5401A>G, p.Ile1801Val (NM_001354228.2); c.5386A>G, p.Ile1796Val (NM_001354230.2); c.5542A>G, p.Ile1848Val (NM_001354231.2); c.5536A>G, p.Ile1846Val (NM_001354232.2); c.5497A>G, p.Ile1833Val (NM_001354235.2); c.5305A>G, p.Ile1769Val (NM_001354236.2); and 44 more; short protein forms I1708V, I1725V, I1745V, I1751V, I1760V, I1761V, I1793V, I1794V.
Identifiers: ClinVar variation 1738173 (VCV001738173.3), dbSNP rs763855448, ClinGen allele CA3052342.

ClinVar aggregate classification (germline): Conflicting classifications of pathogenicity. Review status: criteria provided, conflicting classifications (1 of 4 stars). 2 submissions from 2 submitters: Uncertain significance (1); Likely benign (1). Last evaluated 2026-01-07.

Conditions:
Cardiovascular phenotype. Identifiers: MedGen CN230736.
Long QT syndrome (LQTS). Identifiers: MedGen C0023976, MeSH D008133, MONDO:0002442. Disease mechanism: loss of function. Inheritance: Various modes of inheritance.

Allele frequency attached by ClinVar (database versions not stated): TOPMed below 0.00001; ExAC 0.00001; gnomAD 0.00001.
gnomAD v4.1: 4 of 1,614,066 alleles (0.00025%); highest among the groups gnomAD compares: African/African-American, 0.004%; no homozygotes.

Submissions (2):

Labcorp Genetics (formerly Invitae), Labcorp
Classification: Uncertain significance for Long QT syndrome. Last evaluated: 2026-01-07. Review status: criteria provided, single submitter. Criteria: Invitae Variant Classification Sherloc (09022015). Collection method: clinical testing. Allele origin: germline.
Comment: This sequence change replaces isoleucine, which is neutral and non-polar, with valine, which is neutral and non-polar, at codon 3888 of the ANK2 protein (p.Ile3888Val). This variant is present in population databases (rs763855448, gnomAD 0.007%). This variant has not been reported in the literature in individuals affected with ANK2-related conditions. ClinVar contains an entry for this variant (Variation ID: 1738173). An algorithm developed to predict the effect of missense changes on protein structure and function outputs the following: PolyPhen-2: "Benign". The valine amino acid residue is found in multiple mammalian species, which suggests that this missense change does not adversely affect protein function. In summary, the available evidence is currently insufficient to determine the role of this variant in disease. Therefore, it has been classified as a Variant of Uncertain Significance.

Ambry Genetics
Classification: Likely benign for Cardiovascular phenotype. Last evaluated: 2022-02-17. Review status: criteria provided, single submitter. Criteria: Ambry Variant Classification Scheme 2023. Collection method: clinical testing. Allele origin: germline.